The following is an entry in ClinVar:

ClinVar aggregate classification (germline): Uncertain significance. Review status: criteria provided, multiple submitters, no conflicts (2 of 4 stars). 2 submissions from 2 submitters: Uncertain significance (2). Last evaluated 2023-12-28.

Conditions:
Familial sleep-related hypermotor epilepsy. Also called: Autosomal Dominant Sleep-Related Hypermotor (Hyperkinetic) Epilepsy. Identifiers: Orphanet 98784, MedGen C3696898, MONDO:0000030.

Allele frequency attached by ClinVar (database versions not stated): gnomAD exomes 0.00001 and below 0.00001.

Submissions (2):

Labcorp Genetics (formerly Invitae), Labcorp
Classification: Uncertain significance. Last evaluated: 2023-12-28. Review status: criteria provided, single submitter. Criteria: Invitae Variant Classification Sherloc (09022015). Collection method: clinical testing. Allele origin: germline.
Comment: This sequence change replaces aspartic acid, which is acidic and polar, with asparagine, which is neutral and polar, at codon 171 of the CHRNA4 protein (p.Asp171Asn). This variant is present in population databases (no rsID available, gnomAD 0.0009%). This variant has not been reported in the literature in individuals affected with CHRNA4-related conditions. ClinVar contains an entry for this variant (Variation ID: 1699654). Advanced modeling of protein sequence and biophysical properties (such as structural, functional, and spatial information, amino acid conservation, physicochemical variation, residue mobility, and thermodynamic stability) performed at Invitae indicates that this missense variant is expected to disrupt CHRNA4 protein function with a positive predictive value of 80%. In summary, the available evidence is currently insufficient to determine the role of this variant in disease. Therefore, it has been classified as a Variant of Uncertain Significance.

GeneDx
Classification: Uncertain significance. Last evaluated: 2022-12-02. Review status: criteria provided, single submitter. Criteria: GeneDx Variant Classification Process June 2021. Collection method: clinical testing. Allele origin: germline.
Comment: Not observed at significant frequency in large population cohorts (gnomAD); In silico analysis supports that this missense variant has a deleterious effect on protein structure/function; Has not been previously published as pathogenic or benign to our knowledge

NM_000744.7(CHRNA4):c.511G>A (p.Asp171Asn)

Gene: CHRNA4 (cholinergic receptor nicotinic alpha 4 subunit; minus strand). Cytogenetic location: 20q13.33.
Variant type: single nucleotide variant.
Coding change: c.511G>A on transcript NM_000744.7 (MANE Select); coding-DNA position 511, G replaced by A.
Protein change: p.Asp171Asn; replaces aspartic acid 171 with asparagine.
Molecular consequence: missense variant. On other transcripts: 5 prime UTR variant (1), non-coding transcript variant (1).
Genome position (GRCh38, 1-based): chr20:63,350,900, C>T on the plus strand (G>A on the coding strand, the complement: CHRNA4 is on the minus strand). VCF-style: chr20-63350900-C-T. GRCh37 (hg19) VCF-style: chr20-61982252-C-T.
Other names: c.-18G>A (NM_001256573.2); short protein forms D171N.
Identifiers: ClinVar variation 1699654 (VCV001699654.6), dbSNP rs1352017376, ClinGen allele CA409638250.
Genomic context (GRCh38, chr20:63,350,900, plus strand): 5'-GGTCGATCTTGGCCTTGTCGTAGGTCCAGGAGCCGAATTTCATGGTGCAGTTCTGCTGGT[C>T]GAAGGGGAAGAAGGTGACGTCGATGCTGCAGGAGCTCTTGTAAATGGCCGGGGGAGTCCA-3'
Protein context (NP_000735.1, residues 161-181): CSIDVTFFPF[Asp171Asn]QQNCTMKFGS